The following is an entry in ClinVar:

NM_002474.3(MYH11):c.769G>A (p.Val257Met)

Gene: MYH11 (myosin heavy chain 11; minus strand). Cytogenetic location: 16p13.11.
Variant type: single nucleotide variant.
Coding change: c.769G>A on transcript NM_002474.3 (MANE Select); coding-DNA position 769, G replaced by A.
Protein change: p.Val257Met; replaces valine 257 with methionine.
Molecular consequence: missense variant.
Genome position (GRCh38, 1-based): chr16:15,778,801, C>T on the plus strand (G>A on the coding strand, the complement: MYH11 is on the minus strand). VCF-style: chr16-15778801-C-T. GRCh37 (hg19) VCF-style: chr16-15872658-C-T.
Other names: p.V257M:GTG>ATG; c.790G>A, p.Val264Met (NM_001040113.2, NM_001040114.2); c.769G>A, p.Val257Met (NM_022844.3); short protein forms V257M, V264M.
Identifiers: ClinVar variation 201101 (VCV000201101.21), dbSNP rs112992497, ClinGen allele CA306644.
Genomic context (GRCh38, chr16:15,778,801, plus strand): 5'-CAGGGGTACCCATTTGGCCCAGGCTCAGGGAAAGGATACAGGTCTCAATGTTGGCTCCCA[C>T]GATGTAACCCGTGACGTCGAAGTTGATGCGGATGAATTTGCCCTGCCAACAGGAAAACAC-3'
Protein context (NP_002465.1, residues 247-267): RINFDVTGYI[Val257Met]GANIETYLLE

ClinVar aggregate classification (germline): Uncertain significance. Review status: criteria provided, multiple submitters, no conflicts (2 of 4 stars). 6 submissions from 6 submitters: Uncertain significance (5). 1 of the submissions does not count toward it. Last evaluated 2025-07-29.

Conditions:
Familial thoracic aortic aneurysm and aortic dissection (TAAD). Also called: Thoracic aortic aneurysms and dissections. Identifiers: Orphanet 91387, MedGen C4707243, MONDO:0019625.
Aortic aneurysm, familial thoracic 4 (AAT4). Also called: AORTIC ANEURYSM/AORTIC DISSECTION AND PATENT DUCTUS ARTERIOSUS. Identifiers: MedGen C1851504, MONDO:0007568, OMIM 132900.

Allele frequency attached by ClinVar (database versions not stated): ExAC 0.00002; gnomAD 0.00003 and 0.00004; gnomAD exomes 0.00003 and 0.00013; TOPMed 0.00006.

Submissions (6):

Labcorp Genetics (formerly Invitae), Labcorp
Classification: Uncertain significance for Aortic aneurysm, familial thoracic 4. Last evaluated: 2025-07-29. Review status: criteria provided, single submitter. Criteria: Invitae Variant Classification Sherloc (09022015). Collection method: clinical testing. Allele origin: germline.
Comment: This sequence change replaces valine, which is neutral and non-polar, with methionine, which is neutral and non-polar, at codon 264 of the MYH11 protein (p.Val264Met). This variant is present in population databases (rs112992497, gnomAD 0.009%). This variant has not been reported in the literature in individuals affected with MYH11-related conditions. ClinVar contains an entry for this variant (Variation ID: 201101). Invitae Evidence Modeling of protein sequence and biophysical properties (such as structural, functional, and spatial information, amino acid conservation, physicochemical variation, residue mobility, and thermodynamic stability) indicates that this missense variant is not expected to disrupt MYH11 protein function with a negative predictive value of 80%. In summary, the available evidence is currently insufficient to determine the role of this variant in disease. Therefore, it has been classified as a Variant of Uncertain Significance.

Ambry Genetics
Classification: Uncertain significance for Familial thoracic aortic aneurysm and aortic dissection. Last evaluated: 2025-07-08. Review status: criteria provided, single submitter. Criteria: Ambry Variant Classification Scheme 2023. Collection method: clinical testing. Allele origin: germline.
Comment: The p.V257M variant (also known as c.769G>A), located in coding exon 6 of the MYH11 gene, results from a G to A substitution at nucleotide position 769. The valine at codon 257 is replaced by methionine, an amino acid with highly similar properties. This amino acid position is highly conserved in available vertebrate species. In addition, the in silico prediction for this alteration is inconclusive. Since supporting evidence is limited at this time, the clinical significance of this alteration remains unclear.

Color Diagnostics, LLC DBA Color Health
Classification: Uncertain significance for Familial thoracic aortic aneurysm and aortic dissection. Last evaluated: 2024-03-18. Review status: criteria provided, single submitter. Criteria: ACMG Guidelines, 2015. Collection method: clinical testing. Allele origin: germline.
Comment: This missense variant replaces valine with methionine at codon 264 of the MYH11 protein. Computational prediction tools indicate that this variant has a deleterious impact on protein structure and function. To our knowledge, functional studies have not been reported for this variant. This variant has not been reported in individuals affected with MYH11-related disorders in the literature. This variant has been identified in 9/282870 chromosomes in the general population by the Genome Aggregation Database (gnomAD). The available evidence is insufficient to determine the role of this variant in disease conclusively. Therefore, this variant is classified as a Variant of Uncertain Significance.

ARUP Laboratories, Molecular Genetics and Genomics, ARUP Laboratories
Classification: Uncertain significance. Last evaluated: 2023-03-27. Review status: criteria provided, single submitter. Criteria: ARUP Molecular Germline Variant Investigation Process 2024. Collection method: clinical testing. Allele origin: germline.
Comment: The MYH11 c.769G>A; p.Val257Met variant (rs112992497), to our knowledge, is not reported in the medical literature but is reported in ClinVar (Variation ID: 201101). This variant is found in the non-Finnish European population with an allele frequency of 0.0046% (6/129,176 alleles) in the Genome Aggregation Database. Computational analyses predict that this variant is deleterious (REVEL: 0.717). However, given the lack of clinical and functional data, the significance of this variant is uncertain at this time.

GeneDx
Classification: Uncertain significance. Last evaluated: 2023-01-27. Review status: criteria provided, single submitter. Criteria: GeneDx Variant Classification Process June 2021. Collection method: clinical testing. Allele origin: germline. Affected: yes.
Comment: Has not been previously published as pathogenic or benign to our knowledge; In silico analysis supports that this missense variant does not alter protein structure/function

Knight Diagnostic Laboratories, Oregon Health and Sciences University
Classification: Uncertain significance for Aortic aneurysm, familial thoracic 4. Last evaluated: 2016-01-27. Review status: no assertion criteria provided. Criteria: ACMG Guidelines, 2015. Collection method: clinical testing. Allele origin: germline. Affected: no. Study: CSER-NextGen. Not counted in ClinVar's aggregate classification.